The following is an entry in ClinVar:

NM_000552.5(VWF):c.3944G>T (p.Arg1315Leu)

Gene: VWF (von Willebrand factor; minus strand). Cytogenetic location: 12p13.31.
Variant type: single nucleotide variant.
Coding change: c.3944G>T on transcript NM_000552.5 (MANE Select); coding-DNA position 3944, G replaced by T.
Protein change: p.Arg1315Leu; replaces arginine 1315 with leucine.
Molecular consequence: missense variant.
Genome position (GRCh38, 1-based): chr12:6,019,474, C>A on the plus strand (G>T on the coding strand, the complement: VWF is on the minus strand). VCF-style: chr12-6019474-C-A. GRCh37 (hg19) VCF-style: chr12-6128640-C-A.
Other names: NM_000552.5(VWF):c.3944G>T; p.Arg1315Leu; short protein forms R1315L.
Identifiers: ClinVar variation 100312 (VCV000100312.3), dbSNP rs61749396, ClinGen allele CA228506.

ClinVar aggregate classification (germline): Likely pathogenic. Review status: reviewed by expert panel (3 of 4 stars). 3 submissions from 3 submitters: Likely pathogenic (1). 2 of the submissions do not count toward it. Last evaluated 2025-04-01.

Conditions:
von Willebrand disease type 2 (VWD2). Also called: VON WILLEBRAND DISEASE, TYPE 2A/IIE; VON WILLEBRAND DISEASE, TYPE 2CB; VON WILLEBRAND DISEASE, TYPE II; VWD, TYPE 2. Identifiers: Orphanet 166081, Orphanet 903, MedGen C1264040, MONDO:0013304, OMIM 613554.

Submissions (3):

ClinGen von Willebrand Disease Variant Curation Expert Panel, ClinGen
Classification: Likely pathogenic for von Willebrand disease type 2. Last evaluated: 2025-04-01. Review status: reviewed by expert panel. Criteria: ClinGen VWD 2A B M Rules. Collection method: curation. Allele origin: germline. Inheritance: Autosomal dominant inheritance.
Comment: The p.Arg1315Leu variant has a REVEL score of 0.854, which is above the VWD VCEP threshold of > 0.644 and therefore, the variant predicts a damaging effect on VWF function (PP3). There is at least one proband with excessive bleeding as well as low activity/VWF:Ag ratio, which together are specific for VWD type 2A (PMID: 28971901). It should be noted that this variant has been associated with both VWD type 2A (PMID: 16985174) as well as type 2M (PMID: 22329792); therefore, it has been published in the literature as VWD type “2M/2A” as it has been demonstrated to exhibit characteristics of both type 2A and 2M (PMID: 35452508). The variant is absent from gnomADv4, thus, meeting PM2_supporting criteria. The p.Arg1315His variant located in the same codon has been classified as likely pathogenic for VWD type 2M by the VWD VCEP (PM5_Supporting). Additional variants, p.Arg1315Gly and p.Arg1315Cys were found at the same codon but have not been curated by the VWD VCEP and therefore were not used in the assessment of PM5. Functional data, including simulation data is present for the variant but does not meet our specifications to be counted towards PS3. The p.Arg1315Leu variant has been reported in at least 3 additional probands meeting PP4 criteria (PS4_moderate). Taken together, the variant has been classified as likely pathogenic for VWD type 2 by the Von Willebrand Disease variant curation expert panel. PP3, PP4_moderate, PM2_suppporting, PM5_supporting, PS4_moderate.

Angelo Bianchi Bonomi Hemophilia and Thrombosis Center, Fondazione IRCCS Ca Granda Ospedale Maggiore Policlinico
Classification: Pathogenic for von Willebrand disease type 2. Last evaluated: 2022-04-26. Review status: no assertion criteria provided. Collection method: clinical testing. Allele origin: germline. Affected: yes. Not counted in ClinVar's aggregate classification.

Academic Unit of Haematology, University of Sheffield
No classification provided. Review status: no classification provided. Collection method: not provided. Allele origin: not provided. Not counted in ClinVar's aggregate classification.